The following is an entry in ClinVar:

ClinVar aggregate classification (germline): Uncertain significance. Review status: criteria provided, multiple submitters, no conflicts (2 of 4 stars). 2 submissions from 2 submitters: Uncertain significance (2). Last evaluated 2025-04-23.

Conditions:
Naxos disease (NXD). Also called: KERATOSIS PALMOPLANTARIS WITH ARRHYTHMOGENIC CARDIOMYOPATHY; WOOLLY HAIR, PALMOPLANTAR KERATODERMA, AND CARDIAC ABNORMALITIES; CARDIOMYOPATHY, ARRHYTHMOGENIC RIGHT VENTRICULAR, WITH SKIN, HAIR, AND NAIL ABNORMALITIES; MAL DE NAXOS; PALMOPLANTAR KERATODERMA WITH ARRHYTHMOGENIC RIGHT VENTRICULAR CARDIOMYOPATHY AND WOOLLY HAIR. Identifiers: Orphanet 34217, MedGen C1832600, MONDO:0011017, OMIM 601214.
Arrhythmogenic right ventricular dysplasia 12. Also called: ARRHYTHMOGENIC RIGHT VENTRICULAR DYSPLASIA, FAMILIAL, 12. Identifiers: MedGen C1969081, MONDO:0012684, OMIM 611528.
Cardiovascular phenotype. Identifiers: MedGen CN230736.

Submissions (2):

Labcorp Genetics (formerly Invitae), Labcorp
Classification: Uncertain significance for Arrhythmogenic right ventricular dysplasia 12; Naxos disease. Last evaluated: 2025-04-23. Review status: criteria provided, single submitter. Criteria: Invitae Variant Classification Sherloc (09022015). Collection method: clinical testing. Allele origin: germline.
Comment: This sequence change replaces arginine, which is basic and polar, with glycine, which is neutral and non-polar, at codon 84 of the JUP protein (p.Arg84Gly). This variant is not present in population databases (gnomAD no frequency). This variant has not been reported in the literature in individuals affected with JUP-related conditions. ClinVar contains an entry for this variant (Variation ID: 1403658). An algorithm developed to predict the effect of missense changes on protein structure and function (PolyPhen-2) suggests that this variant is likely to be tolerated. In summary, the available evidence is currently insufficient to determine the role of this variant in disease. Therefore, it has been classified as a Variant of Uncertain Significance.

Ambry Genetics
Classification: Uncertain significance for Cardiovascular phenotype. Last evaluated: 2022-12-06. Review status: criteria provided, single submitter. Criteria: Ambry Variant Classification Scheme 2023. Collection method: clinical testing. Allele origin: germline.
Comment: The p.R84G variant (also known as c.250C>G), located in coding exon 2 of the JUP gene, results from a C to G substitution at nucleotide position 250. The arginine at codon 84 is replaced by glycine, an amino acid with dissimilar properties. This amino acid position is conserved. In addition, the in silico prediction for this alteration is inconclusive. Since supporting evidence is limited at this time, the clinical significance of this alteration remains unclear.

NM_002230.4(JUP):c.250C>G (p.Arg84Gly)

Gene: JUP (junction plakoglobin; minus strand). Cytogenetic location: 17q21.2.
Variant type: single nucleotide variant.
Coding change: c.250C>G on transcript NM_002230.4 (MANE Select); coding-DNA position 250, C replaced by G.
Protein change: p.Arg84Gly; replaces arginine 84 with glycine.
Molecular consequence: missense variant.
Genome position (GRCh38, 1-based): chr17:41,769,636, G>C on the plus strand (C>G on the coding strand, the complement: JUP is on the minus strand). VCF-style: chr17-41769636-G-C. GRCh37 (hg19) VCF-style: chr17-39925888-G-C.
Other names: c.250C>G, p.Arg84Gly (NM_001352773.2, NM_001352774.2, NM_001352775.2 and 3 more transcripts); c.250C>G (NM_002230.2); short protein forms R84G.
Identifiers: ClinVar variation 1403658 (VCV001403658.7), dbSNP rs782306414, ClinGen allele CA399505898.